The following is an entry in ClinVar:

ClinVar aggregate classification (germline): Uncertain significance. Review status: criteria provided, multiple submitters, no conflicts (2 of 4 stars). 3 submissions from 3 submitters: Uncertain significance (3). Last evaluated 2025-03-17.

gnomAD v4.1: 64 of 1,551,074 alleles (0.0041%); highest among the groups gnomAD compares: Non-Finnish European, 0.0051%; no homozygotes.

Submissions (3):

Labcorp Genetics (formerly Invitae), Labcorp
Classification: Uncertain significance. Last evaluated: 2025-03-17. Review status: criteria provided, single submitter. Criteria: Invitae Variant Classification Sherloc (09022015). Collection method: clinical testing. Allele origin: germline.
Comment: This sequence change replaces alanine, which is neutral and non-polar, with serine, which is neutral and polar, at codon 1755 of the MYO7A protein (p.Ala1755Ser). This variant is present in population databases (no rsID available, gnomAD 0.005%). This variant has not been reported in the literature in individuals affected with MYO7A-related conditions. ClinVar contains an entry for this variant (Variation ID: 2142593). Invitae Evidence Modeling of protein sequence and biophysical properties (such as structural, functional, and spatial information, amino acid conservation, physicochemical variation, residue mobility, and thermodynamic stability) indicates that this missense variant is not expected to disrupt MYO7A protein function with a negative predictive value of 95%. In summary, the available evidence is currently insufficient to determine the role of this variant in disease. Therefore, it has been classified as a Variant of Uncertain Significance.

GeneDx
Classification: Uncertain significance. Last evaluated: 2023-08-27. Review status: criteria provided, single submitter. Criteria: GeneDx Variant Classification Process June 2021. Collection method: clinical testing. Allele origin: germline. Affected: yes.
Comment: In silico analysis supports that this missense variant does not alter protein structure/function; Has not been previously published as pathogenic or benign to our knowledge

Blueprint Genetics
Classification: Uncertain significance. Last evaluated: 2023-06-08. Review status: criteria provided, single submitter. Criteria: ACMG Guidelines, 2015. Collection method: clinical testing. Allele origin: germline.

NM_000260.4(MYO7A):c.5263G>T (p.Ala1755Ser)

Gene: MYO7A (myosin VIIA; plus strand). Cytogenetic location: 11q13.5.
Variant type: single nucleotide variant.
Coding change: c.5263G>T on transcript NM_000260.4 (MANE Select); coding-DNA position 5263, G replaced by T.
Protein change: p.Ala1755Ser; replaces alanine 1755 with serine.
Molecular consequence: missense variant.
Genome position (GRCh38, 1-based): chr11:77,203,154, G>T. VCF-style: chr11-77203154-G-T. GRCh37 (hg19) VCF-style: chr11-76914199-G-T.
Other names: c.5149G>T, p.Ala1717Ser (NM_001127180.2); c.5116G>T, p.Ala1706Ser (NM_001369365.1); c.5263G>T (NM_000260.3); short protein forms A1706S, A1755S, A1717S.
Identifiers: ClinVar variation 2142593 (VCV002142593.5), dbSNP rs762131185, ClinGen allele CA381952302.